The following is an entry in ClinVar:

NM_001182.5(ALDH7A1):c.1442T>A (p.Val481Glu)

Gene: ALDH7A1 (aldehyde dehydrogenase 7 family member A1; minus strand). Cytogenetic location: 5q23.2.
Variant type: single nucleotide variant.
Coding change: c.1442T>A on transcript NM_001182.5 (MANE Select); coding-DNA position 1442, T replaced by A.
Protein change: p.Val481Glu; replaces valine 481 with glutamic acid.
Molecular consequence: missense variant.
Genome position (GRCh38, 1-based): chr5:126,549,976, A>T on the plus strand (T>A on the coding strand, the complement: ALDH7A1 is on the minus strand). VCF-style: chr5-126549976-A-T. GRCh37 (hg19) VCF-style: chr5-125885668-A-T.
Other names: c.1358T>A, p.Val453Glu (NM_001201377.2); c.1250T>A, p.Val417Glu (NM_001202404.2); short protein forms V481E, V453E, V417E.
Identifiers: ClinVar variation 429572 (VCV000429572.1), dbSNP rs144701796, ClinGen allele CA360721090.

ClinVar aggregate classification (germline): Likely pathogenic (1 of 4 stars; one submission).

Submission:

GeneDx
Classification: Likely pathogenic. Last evaluated: 2015-09-14. Review status: criteria provided, single submitter. Criteria: GeneDx Variant Classification (06012015). Collection method: clinical testing. Allele origin: germline. Affected: yes.
Comment: The V481E variant in the ALDH7A1 gene has not been published as a pathogenic variant, nor has it been reported as a benign polymorphism to our knowledge. The V481E variant was not observed in approximately 6500 individuals of European and African American ancestry in the NHLBI Exome Sequencing Project, indicating it is not a common benign variant in these populations. The V481E variant is a non-conservative amino acid substitution, which is likely to impact secondary protein structure as these residues differ in polarity, charge, size and/or other properties. This substitution occurs at a position that is conserved across species and in silico analysis predicts this variant is probably damaging to the protein structure/function. Missense variants in nearby residues (S476L, D477N, C478S) have been reported in the Human Gene Mutation Database in association with pyridoxine-dependent epilepsy and alpha-AASA dehydrogenase deficiency (Stenson et al., 2014), supporting the functional importance of this region of the protein. The V481E variant is a strong candidate for a disease-causing variant, however the possibility it may be a rare benign variant cannot be excluded.